The following is an entry in ClinVar:

NM_001008537.3(NEXMIF):c.4345C>T (p.Arg1449Cys)

Gene: NEXMIF (neurite extension and migration factor; minus strand). Cytogenetic location: Xq13.3.
Variant type: single nucleotide variant.
Coding change: c.4345C>T on transcript NM_001008537.3 (MANE Select); coding-DNA position 4345, C replaced by T.
Protein change: p.Arg1449Cys; replaces arginine 1449 with cysteine.
Molecular consequence: missense variant.
Genome position (GRCh38, 1-based): chrX:74,740,212, G>A on the plus strand (C>T on the coding strand, the complement: NEXMIF is on the minus strand). VCF-style: chrX-74740212-G-A. GRCh37 (hg19) VCF-style: chrX-73960047-G-A.
Other names: short protein forms R1449C.
Identifiers: ClinVar variation 4070697 (VCV004070697.1).

ClinVar aggregate classification (germline): Uncertain significance (1 of 4 stars; one submission).

gnomAD v4.1: 3 of 1,209,004 alleles (0.00025%); highest among the groups gnomAD compares: Non-Finnish European, 0.00034%; no homozygotes.

Submission:

GeneDx
Classification: Uncertain significance. Last evaluated: 2025-01-15. Review status: criteria provided, single submitter. Criteria: GeneDx Variant Classification Process June 2021. Collection method: clinical testing. Allele origin: germline. Affected: yes.
Comment: Not observed at significant frequency in large population cohorts (gnomAD); In silico analysis supports that this missense variant has a deleterious effect on protein structure/function; Has not been previously published as pathogenic or benign to our knowledge